The following is an entry in ClinVar:

ClinVar aggregate classification (germline): Likely pathogenic. Review status: criteria provided, multiple submitters, no conflicts (2 of 4 stars). 3 submissions from 3 submitters: Likely pathogenic (3). Last evaluated 2025-11-13.

Conditions:
Familial hypokalemia-hypomagnesemia (GTLMNS). Also called: HYPOMAGNESEMIA-HYPOKALEMIA, PRIMARY RENOTUBULAR, WITH HYPOCALCIURIA; POTASSIUM AND MAGNESIUM DEPLETION; gitelman syndrome. Identifiers: Orphanet 358, MedGen C0268450, MONDO:0009904, OMIM 263800.

Allele frequency attached by ClinVar (database versions not stated): ExAC 0.00002; gnomAD 0.00001; gnomAD exomes 0.00001.
gnomAD v4.1: 10 of 1,614,170 alleles (0.00062%); highest among the groups gnomAD compares: East Asian, 0.0022%; no homozygotes.

Submissions (3):

Natera, Inc.
Classification: Likely pathogenic for Gitelman syndrome. Last evaluated: 2025-11-13. Review status: criteria provided, single submitter. Criteria: Natera Variant Classification Schema (03/2026). Collection method: clinical testing. Allele origin: germline.
Comment: The c.3070G>A variant in SLC12A3 is a missense variant predicted to cause substitution of valine to methionine at amino acid 1024. This variant is rare in the general population with a frequency below the threshold expected for the associated phenotype(s). This variant has been observed in one or more individuals affected with the associated recessive disease, as either homozygous or compound heterozygous with a second variant (PMID: 35628451, 18391953). This variant has been identified in one or more affected individual with a phenotype highly consistent with the associated gene (PMID: 35628451). Computational prediction algorithms indicate this variant is likely to affect gene or protein function. Given the available evidence, this variant is classified as Likely Pathogenic.

Fulgent Genetics
Classification: Likely pathogenic for Familial hypokalemia-hypomagnesemia. Last evaluated: 2024-03-28. Review status: criteria provided, single submitter. Criteria: ACMG Guidelines, 2015. Collection method: clinical testing. Allele origin: germline.

Labcorp Genetics (formerly Invitae), Labcorp
Classification: Likely pathogenic. Last evaluated: 2024-02-25. Review status: criteria provided, single submitter. Criteria: Invitae Variant Classification Sherloc (09022015). Collection method: clinical testing. Allele origin: germline.
Comment: This sequence change replaces valine, which is neutral and non-polar, with methionine, which is neutral and non-polar, at codon 1024 of the SLC12A3 protein (p.Val1024Met). This variant is present in population databases (rs775765261, gnomAD 0.003%). This missense change has been observed in individuals with Gitelman syndrome (PMID: 18391953, 35628451). Advanced modeling of protein sequence and biophysical properties (such as structural, functional, and spatial information, amino acid conservation, physicochemical variation, residue mobility, and thermodynamic stability) performed at Invitae indicates that this missense variant is expected to disrupt SLC12A3 protein function with a positive predictive value of 95%. In summary, the currently available evidence indicates that the variant is pathogenic, but additional data are needed to prove that conclusively. Therefore, this variant has been classified as Likely Pathogenic.

Literature cited by the submitters: PubMed 35628451 (cited by Natera, Inc. and Labcorp Genetics (formerly Invitae), Labcorp); PubMed 18391953 (cited by Natera, Inc. and Labcorp Genetics (formerly Invitae), Labcorp).

NM_001126108.2(SLC12A3):c.3043G>A (p.Val1015Met)

Genes: SLC12A3 (solute carrier family 12 member 3; plus strand), LOC126862361 (CDK7 strongly-dependent group 2 enhancer GRCh37_chr16:56946332-56947531; plus strand). Cytogenetic location: 16q13.
Variant type: single nucleotide variant.
Coding change: c.3043G>A on transcript NM_001126108.2 (MANE Select); coding-DNA position 3043, G replaced by A.
Protein change: p.Val1015Met; replaces valine 1015 with methionine.
Molecular consequence: missense variant.
Genome position (GRCh38, 1-based): chr16:56,913,382, G>A. VCF-style: chr16-56913382-G-A. GRCh37 (hg19) VCF-style: chr16-56947294-G-A.
Other names: c.3070G>A (NM_000339.2); c.3070G>A, p.Val1024Met (NM_000339.3); c.3067G>A, p.Val1023Met (NM_001126107.2); c.3040G>A, p.Val1014Met (NM_001410896.1); short protein forms V1015M, V1024M, V1014M, V1023M.
Identifiers: ClinVar variation 2732553 (VCV002732553.5), dbSNP rs775765261, ClinGen allele CA8070193.